The following is an entry in ClinVar:

ClinVar aggregate classification (germline): Benign (1 of 4 stars; one submission).

Allele frequency attached by ClinVar (database versions not stated): 1000 Genomes Project 0.72005; 1000 Genomes Project 30x 0.72892; TOPMed 0.82812; gnomAD 0.84221 and 0.85039.
gnomAD v4.1: 128,171 of 152,136 alleles (84%); highest among the groups gnomAD compares: Non-Finnish European, 92%; 54,800 homozygotes.

Submission:

GeneDx
Classification: Benign. Last evaluated: 2018-06-19. Review status: criteria provided, single submitter. Criteria: GeneDx Variant Classification (06012015). Collection method: clinical testing. Allele origin: germline. Affected: yes.
Comment: This variant is considered likely benign or benign based on one or more of the following criteria: it is a conservative change, it occurs at a poorly conserved position in the protein, it is predicted to be benign by multiple in silico algorithms, and/or has population frequency not consistent with disease.

NM_014694.4(ADAMTSL2):c.763+182C>T

Gene: ADAMTSL2 (ADAMTS like 2; plus strand). Cytogenetic location: 9q34.2.
Variant type: single nucleotide variant.
Coding change: c.763+182C>T on transcript NM_014694.4 (MANE Select); 182 bases into the intron after coding-DNA position 763, C replaced by T.
Molecular consequence: intron variant.
Genome position (GRCh38, 1-based): chr9:133,544,732, C>T. VCF-style: chr9-133544732-C-T. GRCh37 (hg19) VCF-style: chr9-136409854-C-T.
Other names: c.763+182C>T (NM_001145320.2).
Identifiers: ClinVar variation 680470 (VCV000680470.1), dbSNP rs9330463, ClinGen allele CA200964263.